The following is an entry in ClinVar:

ClinVar aggregate classification (germline): Conflicting classifications of pathogenicity. Review status: criteria provided, conflicting classifications (1 of 4 stars). 4 submissions from 4 submitters: Uncertain significance (1); Likely benign (3). Last evaluated 2024-11-07.

Conditions:
TJP2-related disorder. Also called: TJP2-related condition.

Allele frequency attached by ClinVar (database versions not stated): gnomAD exomes 0.00004; ExAC 0.00005; gnomAD 0.00006 and 0.00009; TOPMed 0.00008; 1000 Genomes Project 0.00060; 1000 Genomes Project 30x 0.00062.
gnomAD v4.1: 137 of 1,613,692 alleles (0.0085%); highest among the groups gnomAD compares: African/African-American, 0.057%; 2 homozygotes.

Submissions (4):

PreventionGenetics, part of Exact Sciences
Classification: Likely benign for TJP2-related condition. Last evaluated: 2024-11-07. Review status: criteria provided, single submitter. Criteria: ACMG Guidelines, 2015. Collection method: clinical testing. Allele origin: germline.
Comment: This variant is classified as likely benign based on ACMG/AMP sequence variant interpretation guidelines (Richards et al. 2015 PMID: 25741868, with internal and published modifications).

Blueprint Genetics
Classification: Likely benign. Last evaluated: 2024-09-23. Review status: criteria provided, single submitter. Criteria: ACMG Guidelines, 2015. Collection method: clinical testing. Allele origin: germline.

Labcorp Genetics (formerly Invitae), Labcorp
Classification: Likely benign. Last evaluated: 2024-08-13. Review status: criteria provided, single submitter. Criteria: Invitae Variant Classification Sherloc (09022015). Collection method: clinical testing. Allele origin: germline.

Eurofins Ntd Llc (ga)
Classification: Uncertain significance. Last evaluated: 2017-03-08. Review status: criteria provided, single submitter. Criteria: EGL Classification Definitions 2015. Collection method: clinical testing. Allele origin: germline. Observed: 2 variant alleles, 2 heterozygotes.

NM_004817.4(TJP2):c.2334C>T (p.Thr778=)

Gene: TJP2 (tight junction protein 2; plus strand). Cytogenetic location: 9q21.11.
Variant type: single nucleotide variant.
Coding change: c.2334C>T on transcript NM_004817.4 (MANE Select); coding-DNA position 2334, C replaced by T.
Protein change: p.Thr778=; no amino-acid change (threonine 778 retained).
Molecular consequence: synonymous variant.
Genome position (GRCh38, 1-based): chr9:69,238,768, C>T. VCF-style: chr9-69238768-C-T. GRCh37 (hg19) VCF-style: chr9-71853684-C-T.
Other names: c.2265C>T, p.Thr755= (NM_001170414.2, NM_001369871.1); c.2346C>T, p.Thr782= (NM_001170415.1, NM_001369874.1, NM_001369875.1); c.2427C>T, p.Thr809= (NM_001170416.2); c.2259C>T, p.Thr753= (NM_001369870.1); c.2334C>T, p.Thr778= (NM_001369872.1, NM_001369873.1, NM_201629.3 and 1 more transcripts); c.2334C>T (NM_004817.3).
Identifiers: ClinVar variation 500760 (VCV000500760.13), dbSNP rs183285809, ClinGen allele CA5073644.